The following is an entry in ClinVar:

NM_003896.4(ST3GAL5):c.319-14T>C

Gene: ST3GAL5 (ST3 beta-galactoside alpha-2,3-sialyltransferase 5; minus strand). Cytogenetic location: 2p11.2.
Variant type: single nucleotide variant.
Coding change: c.319-14T>C on transcript NM_003896.4 (MANE Select); 14 bases into the intron before coding-DNA position 319, T replaced by C.
Molecular consequence: intron variant. On other transcripts: 5 prime UTR variant (4).
Genome position (GRCh38, 1-based): chr2:85,848,218, A>G on the plus strand (T>C on the coding strand, the complement: ST3GAL5 is on the minus strand). VCF-style: chr2-85848218-A-G. GRCh37 (hg19) VCF-style: chr2-86075341-A-G.
Other names: c.-80T>C (NM_001354223.2, NM_001354226.2, NM_001354233.2); c.-600T>C (NM_001354247.1); c.-66-14T>C (NM_001354224.2, NM_001354234.1, NM_001354248.1); c.235-14T>C (NM_001354227.2, NM_001354229.2, NM_001354238.1); c.250-14T>C (NM_001042437.2); c.319-14T>C (NM_001363847.1).
Identifiers: ClinVar variation 2150025 (VCV002150025.1), dbSNP rs1273847763, ClinGen allele CA534628835.

ClinVar aggregate classification (germline): Uncertain significance (1 of 4 stars; one submission).

Conditions:
GM3 synthase deficiency (SPDRS). Also called: AMISH INFANTILE EPILEPSY SYNDROME; SALT AND PEPPER DEVELOPMENTAL REGRESSION SYNDROME; SALT AND PEPPER MENTAL RETARDATION SYNDROME. Identifiers: Orphanet 171714, Orphanet 370933, MedGen C1836824, MONDO:0018274, OMIM 609056.

Allele frequency attached by ClinVar (database versions not stated): gnomAD exomes below 0.00001; TOPMed below 0.00001.
gnomAD v4.1: 5 of 1,614,020 alleles (0.00031%); highest among the groups gnomAD compares: Middle Eastern, 0.066%; no homozygotes.

Submission:

Labcorp Genetics (formerly Invitae), Labcorp
Classification: Uncertain significance for GM3 synthase deficiency. Last evaluated: 2022-07-07. Review status: criteria provided, single submitter. Criteria: Invitae Variant Classification Sherloc (09022015). Collection method: clinical testing. Allele origin: germline.
Comment: This sequence change falls in intron 3 of the ST3GAL5 gene. It does not directly change the encoded amino acid sequence of the ST3GAL5 protein. This variant is present in population databases (no rsID available, gnomAD 0.0009%). This variant has not been reported in the literature in individuals affected with ST3GAL5-related conditions. Algorithms developed to predict the effect of sequence changes on RNA splicing suggest that this variant may disrupt the consensus splice site. In summary, the available evidence is currently insufficient to determine the role of this variant in disease. Therefore, it has been classified as a Variant of Uncertain Significance.